The following is an entry in ClinVar:

ClinVar aggregate classification (germline): Uncertain significance (1 of 4 stars; one submission).

Submission:

Ambry Genetics
Classification: Uncertain significance. Last evaluated: 2025-09-29. Review status: criteria provided, single submitter. Criteria: Ambry Variant Classification Scheme 2023. Collection method: clinical testing. Allele origin: germline.
Comment: The p.F576Y variant (also known as c.1727T>A), located in coding exon 10 of the GALNT12 gene, results from a T to A substitution at nucleotide position 1727. The phenylalanine at codon 576 is replaced by tyrosine, an amino acid with highly similar properties. This amino acid position is conserved. In addition, the in silico prediction for this alteration is inconclusive. Since supporting evidence is limited at this time, the clinical significance of this alteration remains unclear.

NM_024642.5(GALNT12):c.1727T>A (p.Phe576Tyr)

Gene: GALNT12 (polypeptide N-acetylgalactosaminyltransferase 12; plus strand). Cytogenetic location: 9q22.33.
Variant type: single nucleotide variant.
Coding change: c.1727T>A on transcript NM_024642.5 (MANE Select); coding-DNA position 1727, T replaced by A.
Protein change: p.Phe576Tyr; replaces phenylalanine 576 with tyrosine.
Molecular consequence: missense variant.
Genome position (GRCh38, 1-based): chr9:98,849,073, T>A. VCF-style: chr9-98849073-T-A. GRCh37 (hg19) VCF-style: chr9-101611355-T-A.
Other names: short protein forms F576Y.
Identifiers: ClinVar variation 1778882 (VCV001778882.3), dbSNP rs1836489827, ClinGen allele CA374223365.